The following is an entry in ClinVar:

ClinVar aggregate classification (germline): Uncertain significance (1 of 4 stars; one submission).

Conditions:
Autosomal dominant nonsyndromic hearing loss 21. Also called: Deafness, autosomal dominant 21. Identifiers: Orphanet 90635, MedGen C1846922, MONDO:0011761, OMIM 607017.

Submission:

3billion
Classification: Uncertain significance for Autosomal dominant nonsyndromic hearing loss 21. Last evaluated: 2024-08-01. Review status: criteria provided, single submitter. Criteria: ACMG Guidelines, 2015. Collection method: clinical testing. Allele origin: germline. Affected: yes.
Comment: The variant is not observed in the gnomAD v4.0.0 dataset. Predicted Consequence/Location: Missense variant In silico tool predictions suggest damaging effect of the variant on gene or gene product [3Cnet: 0.96 (>=0.6, sensitivity 0.72 and precision 0.9)]. Therefore, this variant is classified as VUS according to the recommendation of ACMG/AMP guideline.

NM_001286445.3(RIPOR2):c.139A>G (p.Arg47Gly)

Gene: RIPOR2 (RHO family interacting cell polarization regulator 2; minus strand). Cytogenetic location: 6p22.3.
Variant type: single nucleotide variant.
Coding change: c.139A>G on transcript NM_001286445.3 (MANE Select); coding-DNA position 139, A replaced by G.
Protein change: p.Arg47Gly; replaces arginine 47 with glycine.
Molecular consequence: missense variant.
Genome position (GRCh38, 1-based): chr6:24,875,740, T>C on the plus strand (A>G on the coding strand, the complement: RIPOR2 is on the minus strand). VCF-style: chr6-24875740-T-C. GRCh37 (hg19) VCF-style: chr6-24875968-T-C.
Other names: c.154A>G, p.Arg52Gly (NM_001286446.3); c.52A>G, p.Arg18Gly (NM_001286447.2, NM_001346031.2, NM_001346032.2 and 2 more transcripts); short protein forms R18G, R47G, R52G.
Identifiers: ClinVar variation 4292349 (VCV004292349.1).
Genomic context (GRCh38, chr6:24,875,740, plus strand): 5'-ACAGTACTTGCCTGGATCGCCTTTCCTGGAGGCCGCTGAAACCCGCAAAGGACTGGCTTC[T>C]AATGATCCCATTGGGCCCTCCAGGCGAAAAAGACTGGGATCCTACCAACATGATTTCCGG-3'
Protein context (NP_001273374.1, residues 37-57): FSPGGPNGII[Arg47Gly]SQSFAGFSGL